The following is an entry in ClinVar:

ClinVar aggregate classification (germline): Likely benign. Review status: criteria provided, single submitter (1 of 4 stars). 2 submissions from 2 submitters: Likely benign (1). 1 of the submissions does not count toward it. Last evaluated 2025-09-10.

Conditions:
Cohen syndrome (COH1). Also called: Cutis verticis gyrata, retinitis pigmentosa, and sensorineural deafness; PEPPER SYNDROME. Identifiers: Orphanet 193, MedGen C0265223, MONDO:0008999, OMIM 216550.
VPS13B-related disorder. Also called: VPS13B-related condition.

Allele frequency attached by ClinVar (database versions not stated): gnomAD exomes below 0.00001; TOPMed below 0.00001.
gnomAD v4.1: 3 of 1,613,774 alleles (0.00019%); highest among the groups gnomAD compares: African/African-American, 0.004%; no homozygotes.

Submissions (2):

Labcorp Genetics (formerly Invitae), Labcorp
Classification: Likely benign for Cohen syndrome. Last evaluated: 2025-09-10. Review status: criteria provided, single submitter. Criteria: Invitae Variant Classification Sherloc (09022015). Collection method: clinical testing. Allele origin: germline.

PreventionGenetics, part of Exact Sciences
Classification: Likely benign for VPS13B-related condition. Last evaluated: 2024-06-28. Review status: no assertion criteria provided. Collection method: clinical testing. Allele origin: germline. Not counted in ClinVar's aggregate classification.
Comment: This variant is classified as likely benign based on ACMG/AMP sequence variant interpretation guidelines (Richards et al. 2015 PMID: 25741868, with internal and published modifications).

NM_152564.5(VPS13B):c.5154T>C (p.Val1718=)

Gene: VPS13B (vacuolar protein sorting 13 homolog B; plus strand). Cytogenetic location: 8q22.2.
Variant type: single nucleotide variant.
Coding change: c.5154T>C on transcript NM_152564.5 (MANE Select); coding-DNA position 5154, T replaced by C.
Protein change: p.Val1718=; no amino-acid change (valine 1718 retained).
Molecular consequence: synonymous variant.
Genome position (GRCh38, 1-based): chr8:99,577,567, T>C. VCF-style: chr8-99577567-T-C. GRCh37 (hg19) VCF-style: chr8-100589795-T-C.
Other names: c.5154T>C (NM_152564.4); c.5229T>C, p.Val1743= (NM_017890.5).
Identifiers: ClinVar variation 1622900 (VCV001622900.9), dbSNP rs1235245438, ClinGen allele CA462449079.